The following is an entry in ClinVar:

ClinVar aggregate classification (germline): Likely benign (1 of 4 stars; one submission).

gnomAD v4.1: 55 of 1,613,156 alleles (0.0034%); highest among the groups gnomAD compares: Admixed American, 0.005%; no homozygotes.

Submission:

CeGaT Center for Human Genetics Tuebingen
Classification: Likely benign. Last evaluated: 2026-05-01. Review status: criteria provided, single submitter. Criteria: CeGaT Center For Human Genetics Tuebingen Variant Classification Criteria Version 2. Collection method: clinical testing. Allele origin: germline. Affected: yes. Observed: 1 variant allele.
Comment: WASHC4: BP4, BP7

NM_015275.3(WASHC4):c.1401A>G (p.Pro467=)

Gene: WASHC4 (WASH complex subunit 4; plus strand). Cytogenetic location: 12q23.3.
Variant type: single nucleotide variant.
Coding change: c.1401A>G on transcript NM_015275.3 (MANE Select); coding-DNA position 1401, A replaced by G.
Protein change: p.Pro467=; no amino-acid change (proline 467 retained).
Molecular consequence: synonymous variant.
Genome position (GRCh38, 1-based): chr12:105,137,960, A>G. VCF-style: chr12-105137960-A-G. GRCh37 (hg19) VCF-style: chr12-105531738-A-G.
Other names: c.1404A>G, p.Pro468= (NM_001293640.2).
Identifiers: ClinVar variation 4874321 (VCV004874321.2).